The following is an entry in ClinVar:

NM_017646.6(TRIT1):c.23G>C (p.Arg8Pro)

Genes: MYCL-AS1 (MYCL antisense RNA 1; plus strand), TRIT1 (tRNA isopentenyltransferase 1; minus strand). Cytogenetic location: 1p34.2.
Variant type: single nucleotide variant.
Coding change: c.23G>C on transcript NM_017646.6 (MANE Select); coding-DNA position 23, G replaced by C.
Protein change: p.Arg8Pro; replaces arginine 8 with proline.
Molecular consequence: missense variant.
Genome position (GRCh38, 1-based): chr1:39,883,469, C>G on the plus strand (G>C on the coding strand, the complement: TRIT1 is on the minus strand). VCF-style: chr1-39883469-C-G. GRCh37 (hg19) VCF-style: chr1-40349141-C-G.
Other names: c.23G>C, p.Arg8Pro (NM_001312691.2, NM_001312692.2); short protein forms R8P.
Identifiers: ClinVar variation 3377737 (VCV003377737.1).

ClinVar aggregate classification (germline): Uncertain significance (1 of 4 stars; one submission).

Conditions:
Combined oxidative phosphorylation deficiency 35 (COXPD35). Identifiers: MedGen C4693466, MONDO:0054742, OMIM 617873.

Submission:

Neuberg Centre For Genomic Medicine, NCGM
Classification: Uncertain significance for Combined oxidative phosphorylation deficiency 35. Last evaluated: 2023-06-22. Review status: criteria provided, single submitter. Criteria: ACMG Guidelines, 2015. Collection method: clinical testing. Allele origin: germline. Inheritance: Autosomal recessive inheritance. Affected: yes.
Comment: The missense variant c.23G>C (p.Arg8Pro) in the TRIT1 gene has not been reported previously as a pathogenic variant nor as a benign variant, to our knowledge. This variant is absent in the gnomAD Exomes. The amino acid Arg at position 8 is changed to a Pro changing protein sequence and it might alter its composition and physico-chemical properties. Multiple lines of computational evidence (Polyphen - Damaging, SIFT - Damaging and MutationTaster - Disease causing) predict a damaging effect on protein structure and function for this variant. The amino acid change p.Arg8Pro in TRIT1 is predicted as conserved by GERP++ and PhyloP across 100 vertebrates. For these reasons, this variant has been classified as Uncertain Significance.